The following is an entry in ClinVar:

NM_016653.3(MAP3K20):c.1907C>T (p.Ser636Leu)

Genes: MAP3K20 (mitogen-activated protein kinase kinase kinase 20; plus strand), MAP3K20-AS1 (MAP3K20 antisense RNA 1; minus strand). Cytogenetic location: 2q31.1.
Variant type: single nucleotide variant.
Coding change: c.1907C>T on transcript NM_016653.3 (MANE Select); coding-DNA position 1907, C replaced by T.
Protein change: p.Ser636Leu; replaces serine 636 with leucine.
Molecular consequence: missense variant.
Genome position (GRCh38, 1-based): chr2:173,266,254, C>T. VCF-style: chr2-173266254-C-T. GRCh37 (hg19) VCF-style: chr2-174130982-C-T.
Other names: p.Ser636Leu; short protein forms S636L.
Identifiers: ClinVar variation 1944500 (VCV001944500.3), dbSNP rs371335082, ClinGen allele CA1970991.

ClinVar aggregate classification (germline): Uncertain significance. Review status: criteria provided, multiple submitters, no conflicts (2 of 4 stars). 2 submissions from 2 submitters: Uncertain significance (2). Last evaluated 2025-03-06.

Allele frequency attached by ClinVar (database versions not stated): gnomAD 0.00002; TOPMed 0.00003; ExAC 0.00004; ESP Exome Variant Server 0.00016.
gnomAD v4.1: 34 of 1,614,006 alleles (0.0021%); highest among the groups gnomAD compares: African/African-American, 0.004%; no homozygotes.

Submissions (2):

Mayo Clinic Laboratories, Mayo Clinic
Classification: Uncertain significance. Last evaluated: 2025-03-06. Review status: criteria provided, single submitter. Criteria: ACMG Guidelines, 2015. Collection method: clinical testing. Allele origin: germline. Observed: 1 variant allele.

Labcorp Genetics (formerly Invitae), Labcorp
Classification: Uncertain significance. Last evaluated: 2022-03-16. Review status: criteria provided, single submitter. Criteria: Invitae Variant Classification Sherloc (09022015). Collection method: clinical testing. Allele origin: germline.
Comment: This sequence change replaces serine, which is neutral and polar, with leucine, which is neutral and non-polar, at codon 636 of the MAP3K20 protein (p.Ser636Leu). This variant is present in population databases (rs371335082, gnomAD 0.01%). This variant has not been reported in the literature in individuals affected with MAP3K20-related conditions. Experimental studies and prediction algorithms are not available or were not evaluated, and the functional significance of this variant is currently unknown. In summary, the available evidence is currently insufficient to determine the role of this variant in disease. Therefore, it has been classified as a Variant of Uncertain Significance.